The following is an entry in ClinVar:

NM_000038.6(APC):c.5381A>G (p.Asp1794Gly)

Gene: APC (APC regulator of Wnt signaling pathway; plus strand). Cytogenetic location: 5q22.2.
Variant type: single nucleotide variant.
Coding change: c.5381A>G on transcript NM_000038.6 (MANE Select); coding-DNA position 5381, A replaced by G.
Protein change: p.Asp1794Gly; replaces aspartic acid 1794 with glycine.
Molecular consequence: missense variant.
Genome position (GRCh38, 1-based): chr5:112,840,975, A>G. VCF-style: chr5-112840975-A-G. GRCh37 (hg19) VCF-style: chr5-112176672-A-G.
Other names: c.5381A>G, p.Asp1794Gly (NM_001127510.3, NM_001354895.2); c.5327A>G, p.Asp1776Gly (NM_001127511.3); c.5435A>G, p.Asp1812Gly (NM_001354896.2); c.5411A>G, p.Asp1804Gly (NM_001354897.2); c.5306A>G, p.Asp1769Gly (NM_001354898.2); c.5297A>G, p.Asp1766Gly (NM_001354899.2); c.5258A>G, p.Asp1753Gly (NM_001354900.2); c.5204A>G, p.Asp1735Gly (NM_001354901.2); and 5 more; short protein forms D1776G, D1794G, D1634G, D1668G, D1735G, D1511G, D1693G, D1703G.
Identifiers: ClinVar variation 489468 (VCV000489468.21), dbSNP rs1490241563, ClinGen allele CA16033090.

ClinVar aggregate classification (germline): Uncertain significance. Review status: criteria provided, multiple submitters, no conflicts (2 of 4 stars). 4 submissions from 4 submitters: Uncertain significance (4). Last evaluated 2025-12-17.

Conditions:
Familial adenomatous polyposis 1 (FAP1). Also called: FAMILIAL ADENOMATOUS POLYPOSIS 1, ATTENUATED; POLYPOSIS, ADENOMATOUS INTESTINAL. Identifiers: MedGen C2713442, MONDO:0021056, OMIM 175100. Disease mechanism: loss of function.
Hereditary cancer-predisposing syndrome. Also called: Tumor predisposition; Hereditary Cancer Syndrome; Neoplastic Syndromes, Hereditary; Hereditary neoplastic syndrome. Identifiers: Orphanet 140162, MedGen C0027672, MeSH D009386, MONDO:0015356.

gnomAD v4.1: 1 of 1,612,776 alleles (0.000062%); highest among the groups gnomAD compares: Non-Finnish European, 0.000085%; no homozygotes.

Submissions (4):

Ambry Genetics
Classification: Uncertain significance for Hereditary cancer-predisposing syndrome. Last evaluated: 2025-12-17. Review status: criteria provided, single submitter. Criteria: Ambry Variant Classification Scheme 2023. Collection method: clinical testing. Allele origin: germline.
Comment: The p.D1794G variant (also known as c.5381A>G), located in coding exon 15 of the APC gene, results from an A to G substitution at nucleotide position 5381. The aspartic acid at codon 1794 is replaced by glycine, an amino acid with similar properties. This amino acid position is not well conserved in available vertebrate species. In addition, in silico predictors for this gene do not accurately predict pathogenicity. Missense variants in APC are not a common cause of disease (Spier I et al. Genet Med. 2024 Feb;26(2):100992). Based on the available evidence, the clinical significance of this variant remains unclear.

GeneDx
Classification: Uncertain significance. Last evaluated: 2024-04-25. Review status: criteria provided, single submitter. Criteria: GeneDx Variant Classification Process June 2021. Collection method: clinical testing. Allele origin: germline. Affected: yes.
Comment: Has not been previously published as pathogenic or benign to our knowledge; Not observed at significant frequency in large population cohorts (gnomAD); In silico analysis indicates that this missense variant does not alter protein structure/function; This variant is associated with the following publications: (PMID: 18199528)

Color Diagnostics, LLC DBA Color Health
Classification: Uncertain significance for Hereditary cancer-predisposing syndrome. Last evaluated: 2023-12-05. Review status: criteria provided, single submitter. Criteria: ACMG Guidelines, 2015. Collection method: clinical testing. Allele origin: germline.
Comment: This missense variant replaces aspartic acid with glycine at codon 1794 of the APC protein. Computational prediction suggests that this variant may not impact protein structure and function (internally defined REVEL score threshold <= 0.5, PMID: 27666373). To our knowledge, functional studies have not been reported for this variant. This variant has not been reported in individuals affected with APC-related disorders in the literature. This variant has not been identified in the general population by the Genome Aggregation Database (gnomAD). The available evidence is insufficient to determine the role of this variant in disease conclusively. Therefore, this variant is classified as a Variant of Uncertain Significance.

Labcorp Genetics (formerly Invitae), Labcorp
Classification: Uncertain significance for Familial adenomatous polyposis 1. Last evaluated: 2019-11-13. Review status: criteria provided, single submitter. Criteria: Invitae Variant Classification Sherloc (09022015). Collection method: clinical testing. Allele origin: germline.
Comment: This variant is not present in population databases (ExAC no frequency). This sequence change replaces aspartic acid with glycine at codon 1794 of the APC protein (p.Asp1794Gly). The aspartic acid residue is moderately conserved and there is a moderate physicochemical difference between aspartic acid and glycine. This variant has not been reported in the literature in individuals with APC-related conditions. ClinVar contains an entry for this variant (Variation ID: 489468). In summary, the available evidence is currently insufficient to determine the role of this variant in disease. Therefore, it has been classified as a Variant of Uncertain Significance. Algorithms developed to predict the effect of missense changes on protein structure and function are either unavailable or do not agree on the potential impact of this missense change (SIFT: "Deleterious"; PolyPhen-2: "Benign"; Align-GVGD: "Class C15").